The following is an entry in ClinVar:

ClinVar aggregate classification (germline): Uncertain significance (1 of 4 stars; one submission).

gnomAD v4.1: 6 of 1,611,960 alleles (0.00037%); highest among the groups gnomAD compares: South Asian, 0.0033%; no homozygotes.

Submission:

Labcorp Genetics (formerly Invitae), Labcorp
Classification: Uncertain significance. Last evaluated: 2025-09-02. Review status: criteria provided, single submitter. Criteria: Invitae Variant Classification Sherloc (09022015). Collection method: clinical testing. Allele origin: germline.
Comment: This sequence change replaces proline, which is neutral and non-polar, with glutamine, which is neutral and polar, at codon 531 of the DVL1 protein (p.Pro531Gln). The frequency data for this variant in the population databases is considered unreliable, as metrics indicate poor data quality at this position in the gnomAD database. This variant has not been reported in the literature in individuals affected with DVL1-related conditions. ClinVar contains an entry for this variant (Variation ID: 1927977). Invitae Evidence Modeling of protein sequence and biophysical properties (such as structural, functional, and spatial information, amino acid conservation, physicochemical variation, residue mobility, and thermodynamic stability) indicates that this missense variant is not expected to disrupt DVL1 protein function with a negative predictive value of 80%. In summary, the available evidence is currently insufficient to determine the role of this variant in disease. Therefore, it has been classified as a Variant of Uncertain Significance.

NM_001330311.2(DVL1):c.1667C>A (p.Pro556Gln)

Gene: DVL1 (dishevelled segment polarity protein 1; minus strand). Cytogenetic location: 1p36.33.
Variant type: single nucleotide variant.
Coding change: c.1667C>A on transcript NM_001330311.2 (MANE Select); coding-DNA position 1667, C replaced by A.
Protein change: p.Pro556Gln; replaces proline 556 with glutamine.
Molecular consequence: missense variant.
Genome position (GRCh38, 1-based): chr1:1,338,024, G>T on the plus strand (C>A on the coding strand, the complement: DVL1 is on the minus strand). VCF-style: chr1-1338024-G-T. GRCh37 (hg19) VCF-style: chr1-1273404-G-T.
Other names: c.1592C>A, p.Pro531Gln (NM_004421.3); short protein forms P556Q, P531Q.
Identifiers: ClinVar variation 1927977 (VCV001927977.5), dbSNP rs756731811, ClinGen allele CA337859000.